The following is an entry in ClinVar:

NM_018076.5(ODAD2):c.184A>G (p.Ser62Gly)

Genes: ODAD2 (outer dynein arm docking complex subunit 2; minus strand), LOC126860891 (CDK7 strongly-dependent group 2 enhancer GRCh37_chr10:28283413-28284612; plus strand). Cytogenetic location: 10p12.1.
Variant type: single nucleotide variant.
Coding change: c.184A>G on transcript NM_018076.5 (MANE Select); coding-DNA position 184, A replaced by G.
Protein change: p.Ser62Gly; replaces serine 62 with glycine.
Molecular consequence: missense variant.
Genome position (GRCh38, 1-based): chr10:27,994,959, T>C on the plus strand (A>G on the coding strand, the complement: ODAD2 is on the minus strand). VCF-style: chr10-27994959-T-C. GRCh37 (hg19) VCF-style: chr10-28283888-T-C.
Other names: c.184A>G, p.Ser62Gly (NM_001290020.2); short protein forms S62G.
Identifiers: ClinVar variation 583379 (VCV000583379.9), dbSNP rs764481366, ClinGen allele CA5453895.

ClinVar aggregate classification (germline): Uncertain significance (1 of 4 stars; one submission).

Conditions:
Primary ciliary dyskinesia 23 (CILD23). Also called: CILIARY DYSKINESIA, PRIMARY, 23, WITH OR WITHOUT SITUS INVERSUS. Identifiers: Orphanet 244, MedGen C3809548, MONDO:0014193, OMIM 615451.

Allele frequency attached by ClinVar (database versions not stated): ExAC 0.00001; gnomAD exomes 0.00001 and 0.00002; gnomAD 0.00002; TOPMed 0.00003.
gnomAD v4.1: 8 of 1,613,988 alleles (0.0005%); highest among the groups gnomAD compares: Admixed American, 0.01%; no homozygotes.

Submission:

Labcorp Genetics (formerly Invitae), Labcorp
Classification: Uncertain significance for Primary ciliary dyskinesia 23. Last evaluated: 2018-06-11. Review status: criteria provided, single submitter. Criteria: Invitae Variant Classification Sherloc (09022015). Collection method: clinical testing. Allele origin: germline.
Comment: In summary, the available evidence is currently insufficient to determine the role of this variant in disease. Therefore, it has been classified as a Variant of Uncertain Significance. Algorithms developed to predict the effect of sequence changes on RNA splicing suggest that this variant may create or strengthen a splice site, but this prediction has not been confirmed by published transcriptional studies. Algorithms developed to predict the effect of missense changes on protein structure and function (SIFT, PolyPhen-2, Align-GVGD) all suggest that this variant is likely to be tolerated, but these predictions have not been confirmed by published functional studies and their clinical significance is uncertain. This variant has not been reported in the literature in individuals with ARMC4-related disease. This variant is present in population databases (rs764481366, ExAC 0.002%). This sequence change replaces serine with glycine at codon 62 of the ARMC4 protein (p.Ser62Gly). The serine residue is weakly conserved and there is a small physicochemical difference between serine and glycine.